The following is an entry in ClinVar:

NM_004036.5(ADCY3):c.3307C>A (p.Arg1103=)

Genes: ADCY3 (adenylate cyclase 3; minus strand), CENPO (centromere protein O; plus strand). Cytogenetic location: 2p23.3.
Variant type: single nucleotide variant.
Coding change: c.3307C>A on transcript NM_004036.5 (MANE Select); coding-DNA position 3307, C replaced by A.
Protein change: p.Arg1103=; no amino-acid change (arginine 1103 retained).
Molecular consequence: synonymous variant. On other transcripts: 3 prime UTR variant (4), non-coding transcript variant (3).
Genome position (GRCh38, 1-based): chr2:24,820,060, G>T on the plus strand (C>A on the coding strand, the complement: ADCY3 is on the minus strand). VCF-style: chr2-24820060-G-T. GRCh37 (hg19) VCF-style: chr2-25042929-G-T.
Other names: c.3310C>A, p.Arg1104= (NM_001320613.2); c.3373C>A, p.Arg1125= (NM_001377128.1); c.3169C>A, p.Arg1057= (NM_001377129.1); c.*48C>A (NM_001377130.1); c.2584C>A, p.Arg862= (NM_001377131.1); c.3307C>A, p.Arg1103= (NM_001377132.1); c.*742G>T (NM_001199803.3, NM_001322101.2, NM_024322.4).
Identifiers: ClinVar variation 3048198 (VCV003048198.2), dbSNP rs746113754, ClinGen allele CA1553426.
Genomic context (GRCh38, chr2:24,820,060, plus strand): 5'-CCCGCCCCTTCAAGAAGAAGGTCAGCAGCTCCCCCTTCCCCTTCACAAAGATGGGGCCTC[G>T]CCTCACAAAGCGGAAGCCGTACTCTCGGAGGATGACTTGGGTTTCTTCTACCACCTGGAG-3'
Protein context (NP_004027.2, residues 1093-1113): LREYGFRFVR[Arg1103=]GPIFVKGKGE

ClinVar aggregate classification (germline): Likely benign (0 of 4 stars; one submission).

Conditions:
ADCY3-related disorder. Also called: ADCY3-related condition.

Allele frequency attached by ClinVar (database versions not stated): ExAC 0.00003.
gnomAD v4.1: 63 of 1,592,670 alleles (0.004%); highest among the groups gnomAD compares: Admixed American, 0.0071%; no homozygotes.

Submission:

PreventionGenetics, part of Exact Sciences
Classification: Likely benign for ADCY3-related condition. Last evaluated: 2021-05-05. Review status: no assertion criteria provided. Collection method: clinical testing. Allele origin: germline.
Comment: This variant is classified as likely benign based on ACMG/AMP sequence variant interpretation guidelines (Richards et al. 2015 PMID: 25741868, with internal and published modifications).